The following is an entry in ClinVar:

ClinVar aggregate classification (germline): Uncertain significance. Review status: criteria provided, multiple submitters, no conflicts (2 of 4 stars). 2 submissions from 2 submitters: Uncertain significance (2). Last evaluated 2025-12-11.

Conditions:
Inborn genetic diseases. Identifiers: MedGen C0950123, MeSH D030342.

Allele frequency attached by ClinVar (database versions not stated): gnomAD 0.00001; TOPMed 0.00001; gnomAD exomes 0.00002; ExAC 0.00005.
gnomAD v4.1: 28 of 1,558,768 alleles (0.0018%); highest among the groups gnomAD compares: Non-Finnish European, 0.0022%; no homozygotes.

Submissions (2):

Labcorp Genetics (formerly Invitae), Labcorp
Classification: Uncertain significance. Last evaluated: 2025-12-11. Review status: criteria provided, single submitter. Criteria: Invitae Variant Classification Sherloc (09022015). Collection method: clinical testing. Allele origin: germline.
Comment: This sequence change replaces proline, which is neutral and non-polar, with threonine, which is neutral and polar, at codon 239 of the COL9A3 protein (p.Pro239Thr). The frequency data for this variant in the population databases is considered unreliable, as metrics indicate poor data quality at this position in the gnomAD database. This variant has not been reported in the literature in individuals affected with COL9A3-related conditions. ClinVar contains an entry for this variant (Variation ID: 1053405). Invitae Evidence Modeling of protein sequence and biophysical properties (such as structural, functional, and spatial information, amino acid conservation, physicochemical variation, residue mobility, and thermodynamic stability) indicates that this missense variant is not expected to disrupt COL9A3 protein function with a negative predictive value of 95%. In summary, the available evidence is currently insufficient to determine the role of this variant in disease. Therefore, it has been classified as a Variant of Uncertain Significance.

Ambry Genetics
Classification: Uncertain significance for Inborn genetic diseases. Last evaluated: 2023-05-05. Review status: criteria provided, single submitter. Criteria: Ambry Variant Classification Scheme 2023. Collection method: clinical testing. Allele origin: germline.

NM_001853.4(COL9A3):c.715C>A (p.Pro239Thr)

Gene: COL9A3 (collagen type IX alpha 3 chain; plus strand). Cytogenetic location: 20q13.33.
Variant type: single nucleotide variant.
Coding change: c.715C>A on transcript NM_001853.4 (MANE Select); coding-DNA position 715, C replaced by A.
Protein change: p.Pro239Thr; replaces proline 239 with threonine.
Molecular consequence: missense variant.
Genome position (GRCh38, 1-based): chr20:62,826,234, C>A. VCF-style: chr20-62826234-C-A. GRCh37 (hg19) VCF-style: chr20-61457586-C-A.
Other names: c.715C>A (NM_001853.3); short protein forms P239T.
Identifiers: ClinVar variation 1053405 (VCV001053405.8), dbSNP rs756709681, ClinGen allele CA9949455.
Genomic context (GRCh38, chr20:62,826,234, plus strand): 5'-AGCCTCTGCATCTGTGCCTCTCTCTCGCAGGGCCCCCGGGGATTACGAGGACTGCCAGGG[C>A]CACTCGGGCCCCCTGGGGACCGGGTAAGTCCTGCAGCCCCTAGTGGGGGCCGGCCAGGTG-3'
Protein context (NP_001844.3, residues 229-249): GPRGLRGLPG[Pro239Thr]LGPPGDRGPI